The following is an entry in ClinVar:

NM_006514.4(SCN10A):c.5313_5316del (p.Ser1772fs)

Gene: SCN10A (sodium voltage-gated channel alpha subunit 10; minus strand). Cytogenetic location: 3p22.2.
Variant type: Microsatellite.
Coding change: c.5313_5316del on transcript NM_006514.4 (MANE Select); coding-DNA positions 5313 to 5316, 4 bases deleted (CTCT; older notation c.5313_5316delCTCT).
Protein change: p.Ser1772fs; shifts the reading frame from serine 1772.
Molecular consequence: frameshift variant.
Genome position (GRCh38, 1-based): chr3:38,697,904-38,697,907, AGAG deleted on the plus strand (CTCT on the coding strand, the reverse complement: SCN10A is on the minus strand); deleting any 4 consecutive bases within chr3:38,697,904-38,697,911 gives the same sequence; the c. name uses the placement nearest the transcript's 3' end. VCF-style (leftmost placement, unchanged base first): chr3-38697903-CAGAG-C. GRCh37 (hg19) VCF-style: chr3-38739394-CAGAG-C.
Other names: c.5310_5313del, p.Ser1771fs (NM_001293306.2); c.5019_5022del, p.Ser1674fs (NM_001293307.2); short protein forms S1771fs, S1772fs, S1674fs.
Identifiers: ClinVar variation 1903918 (VCV001903918.5), dbSNP rs1433939057, ClinGen allele CA906910903.

ClinVar aggregate classification (germline): Uncertain significance (1 of 4 stars; one submission).

Conditions:
Brugada syndrome. Also called: Sudden unexpected nocturnal death syndrome; Sudden Unexplained Death Syndrome; Sudden Unexplained Nocturnal Death Syndrome (SUNDS); Sudden unexplained nocturnal death syndrome. Identifiers: Orphanet 130, MedGen C1142166, MONDO:0015263.

Submission:

Labcorp Genetics (formerly Invitae), Labcorp
Classification: Uncertain significance for Brugada syndrome. Last evaluated: 2024-04-29. Review status: criteria provided, single submitter. Criteria: Invitae Variant Classification Sherloc (09022015). Collection method: clinical testing. Allele origin: germline.
Comment: This sequence change creates a premature translational stop signal (p.Ser1772Valfs*3) in the SCN10A gene. While this is not anticipated to result in nonsense mediated decay, it is expected to disrupt the last 185 amino acid(s) of the SCN10A protein. This variant is not present in population databases (gnomAD no frequency). This variant has not been reported in the literature in individuals affected with SCN10A-related conditions. Experimental studies and prediction algorithms are not available or were not evaluated, and the functional significance of this variant is currently unknown. In summary, the available evidence is currently insufficient to determine the role of this variant in disease. Therefore, it has been classified as a Variant of Uncertain Significance.